The following is an entry in ClinVar:

NC_000002.12:g.121530918G>C

Genes: CLASP1-AS1 (CLASP1 antisense RNA 1; plus strand), RNU4ATAC (RNA, U4atac small nuclear; plus strand), CLASP1 (cytoplasmic linker associated protein 1; minus strand). Cytogenetic location: 2q14.2.
Variant type: single nucleotide variant.
Molecular consequence: intron variant (on NM_001395891.1).
Genome position: GRCh38 VCF-style: chr2-121530918-G-C. GRCh37 (hg19) VCF-style: chr2-122288494-G-C.
Other names: c.196-593C>G (NM_001142274.2, NM_015282.3, NM_001378003.1 and 5 more transcripts).
Identifiers: ClinVar variation 1368259 (VCV001368259.6), dbSNP rs772360964, ClinGen allele CA428887916.
Genomic context (GRCh38, chr2:121,530,918, plus strand): 5'-CAGCCCAGGGACTTTCTATTATAACCATCCTTTTCTTGGGGTTGCGCTACTGTCCAATGA[G>C]CGCATAGTGAGGGCAGTACTGCTAACGCCTGAACAACACACCCGCATCAACTAGAGCTTT-3'

ClinVar aggregate classification (germline): Uncertain significance (1 of 4 stars; one submission).

gnomAD v4.1: 9 of 699,626 alleles (0.0013%); highest among the groups gnomAD compares: Non-Finnish European, 0.0018%; no homozygotes.

Submission:

Labcorp Genetics (formerly Invitae), Labcorp
Classification: Uncertain significance. Last evaluated: 2023-12-11. Review status: criteria provided, single submitter. Criteria: Invitae Variant Classification Sherloc (09022015). Collection method: clinical testing. Allele origin: germline.
Comment: This variant occurs in the RNU4ATAC gene, which encodes an RNA molecule that does not result in a protein product. This variant is not present in population databases (gnomAD no frequency). This variant has not been reported in the literature in individuals affected with RNU4ATAC-related conditions. ClinVar contains an entry for this variant (Variation ID: 1368259). Experimental studies and prediction algorithms are not available or were not evaluated, and the functional significance of this variant is currently unknown. In summary, the available evidence is currently insufficient to determine the role of this variant in disease. Therefore, it has been classified as a Variant of Uncertain Significance.